The following is an entry in ClinVar:

NM_006852.6(TLK2):c.1910C>G (p.Ser637Ter)

Gene: TLK2 (tousled like kinase 2; plus strand). Cytogenetic location: 17q23.2.
Variant type: single nucleotide variant.
Coding change: c.1910C>G on transcript NM_006852.6 (MANE Select); coding-DNA position 1910, C replaced by G.
Protein change: p.Ser637Ter; replaces serine 637 with a stop codon.
Molecular consequence: nonsense.
Genome position (GRCh38, 1-based): chr17:62,606,180, C>G. VCF-style: chr17-62606180-C-G. GRCh37 (hg19) VCF-style: chr17-60683541-C-G.
Other names: c.1976C>G, p.Ser659Ter (NM_001284333.3); c.1814C>G, p.Ser605Ter (NM_001284363.1, NM_001375272.1); c.1463C>G, p.Ser488Ter (NM_001330418.3, NM_001375273.1); c.1952C>G, p.Ser651Ter (NM_001375269.1); c.1910C>G, p.Ser637Ter (NM_001375270.1, NM_001375271.1); short protein forms S637*, S605*, S659*, S488*, S651*.
Identifiers: ClinVar variation 620167 (VCV000620167.1), dbSNP rs1568015106, ClinGen allele CA400514437.

ClinVar aggregate classification (germline): Pathogenic (1 of 4 stars; one submission).

Submission:

GeneDx
Classification: Pathogenic. Last evaluated: 2018-09-04. Review status: criteria provided, single submitter. Criteria: GeneDx Variant Classification (06012015). Collection method: clinical testing. Allele origin: germline. Affected: yes.
Comment: The S637X variant in the TLK2 gene has not been reported previously as a pathogenic variant nor as a benign variant, to our knowledge. This variant is predicted to cause loss of normal protein function either through protein truncation or nonsense-mediated mRNA decay. The S637X variant is not observed in large population cohorts (Lek et al., 2016). We interpret S637X as a pathogenic variant.